The following is an entry in ClinVar:

NM_003200.5(TCF3):c.236C>T (p.Thr79Ile)

Gene: TCF3 (transcription factor 3; minus strand). Cytogenetic location: 19p13.3.
Variant type: single nucleotide variant.
Coding change: c.236C>T on transcript NM_003200.5 (MANE Select); coding-DNA position 236, C replaced by T.
Protein change: p.Thr79Ile; replaces threonine 79 with isoleucine.
Molecular consequence: missense variant.
Genome position (GRCh38, 1-based): chr19:1,632,100, G>A on the plus strand (C>T on the coding strand, the complement: TCF3 is on the minus strand). VCF-style: chr19-1632100-G-A. GRCh37 (hg19) VCF-style: chr19-1632099-G-A.
Other names: c.236C>T, p.Thr79Ile (NM_001136139.4, NM_001351778.2, NM_001351779.2); short protein forms T79I.
Identifiers: ClinVar variation 2419649 (VCV002419649.6), dbSNP rs762003121, ClinGen allele CA9050522.

ClinVar aggregate classification (germline): Uncertain significance (1 of 4 stars; one submission).

Allele frequency attached by ClinVar (database versions not stated): ExAC 0.00001; gnomAD 0.00002; gnomAD exomes 0.00002; TOPMed 0.00003.
gnomAD v4.1: 28 of 1,613,200 alleles (0.0017%); highest among the groups gnomAD compares: Non-Finnish European, 0.0023%; no homozygotes.

Submission:

Labcorp Genetics (formerly Invitae), Labcorp
Classification: Uncertain significance. Last evaluated: 2025-06-04. Review status: criteria provided, single submitter. Criteria: Invitae Variant Classification Sherloc (09022015). Collection method: clinical testing. Allele origin: germline.
Comment: This sequence change replaces threonine, which is neutral and polar, with isoleucine, which is neutral and non-polar, at codon 79 of the TCF3 protein (p.Thr79Ile). This variant is present in population databases (rs762003121, gnomAD 0.0009%). This variant has not been reported in the literature in individuals affected with TCF3-related conditions. ClinVar contains an entry for this variant (Variation ID: 2419649). Invitae Evidence Modeling of protein sequence and biophysical properties (such as structural, functional, and spatial information, amino acid conservation, physicochemical variation, residue mobility, and thermodynamic stability) indicates that this missense variant is not expected to disrupt TCF3 protein function with a negative predictive value of 80%. In summary, the available evidence is currently insufficient to determine the role of this variant in disease. Therefore, it has been classified as a Variant of Uncertain Significance.